The following is an entry in ClinVar:

NM_004370.6(COL12A1):c.4189A>T (p.Thr1397Ser)

Gene: COL12A1 (collagen type XII alpha 1 chain; minus strand). Cytogenetic location: 6q13.
Variant type: single nucleotide variant.
Coding change: c.4189A>T on transcript NM_004370.6 (MANE Select); coding-DNA position 4189, A replaced by T.
Protein change: p.Thr1397Ser; replaces threonine 1397 with serine.
Molecular consequence: missense variant.
Genome position (GRCh38, 1-based): chr6:75,148,456, T>A on the plus strand (A>T on the coding strand, the complement: COL12A1 is on the minus strand). VCF-style: chr6-75148456-T-A. GRCh37 (hg19) VCF-style: chr6-75858172-T-A.
Other names: c.4189A>T, p.Thr1397Ser (NM_001424113.1, NM_001424114.1); c.3916A>T, p.Thr1306Ser (NM_001424115.1); c.697A>T, p.Thr233Ser (NM_001424116.1, NM_080645.3); short protein forms T1306S, T1397S, T233S.
Identifiers: ClinVar variation 4783028 (VCV004783028.1).
Genomic context (GRCh38, chr6:75,148,456, plus strand): 5'-CCTTATATCGATCCACACTGTCAGAAGGTGGTGTCCAGCTCACTCTAAAAGAACGATGGG[T>A]TCGCTCAGAAATAACTAAGTTAGAAGGTGCTTCCAAATCACCTACACATGGAAATAAAGG-3'
Protein context (NP_004361.3, residues 1387-1407): APSNLVISER[Thr1397Ser]HRSFRVSWTP

ClinVar aggregate classification (germline): Uncertain significance (1 of 4 stars; one submission).

Conditions:
Ullrich congenital muscular dystrophy 2 (UCMD2). Identifiers: Orphanet 75840, MedGen C4225314, MONDO:0014654, OMIM 616470.
Bethlem myopathy 2 (BTHLM2). Identifiers: Orphanet 536516, Orphanet 610, MedGen C4225313, MONDO:0034022, OMIM 616471.

Submission:

Labcorp Genetics (formerly Invitae), Labcorp
Classification: Uncertain significance for Bethlem myopathy 2; Ullrich congenital muscular dystrophy 2. Last evaluated: 2026-01-26. Review status: criteria provided, single submitter. Criteria: Invitae Variant Classification Sherloc (09022015). Collection method: clinical testing. Allele origin: germline.
Comment: This sequence change replaces threonine, which is neutral and polar, with serine, which is neutral and polar, at codon 1397 of the COL12A1 protein (p.Thr1397Ser). This variant is not present in population databases (gnomAD no frequency). This variant has not been reported in the literature in individuals affected with COL12A1-related conditions. Invitae Evidence Modeling of protein sequence and biophysical properties (such as structural, functional, and spatial information, amino acid conservation, physicochemical variation, residue mobility, and thermodynamic stability) indicates that this missense variant is not expected to disrupt COL12A1 protein function with a negative predictive value of 80%. In summary, the available evidence is currently insufficient to determine the role of this variant in disease. Therefore, it has been classified as a Variant of Uncertain Significance.